The following is an entry in ClinVar:

ClinVar aggregate classification (germline): Likely benign (0 of 4 stars; one submission).

Conditions:
SMARCD2-related disorder. Also called: SMARCD2-related condition.

Submission:

PreventionGenetics, part of Exact Sciences
Classification: Likely benign for SMARCD2-related condition. Last evaluated: 2019-09-10. Review status: no assertion criteria provided. Collection method: clinical testing. Allele origin: germline.
Comment: This variant is classified as likely benign based on ACMG/AMP sequence variant interpretation guidelines (Richards et al. 2015 PMID: 25741868, with internal and published modifications).

NM_001098426.2(SMARCD2):c.217-1050A>G

Gene: SMARCD2 (SWI/SNF related BAF chromatin remodeling complex subunit D2; minus strand). Cytogenetic location: 17q23.3.
Variant type: single nucleotide variant.
Coding change: c.217-1050A>G on transcript NM_001098426.2 (MANE Select); 1050 bases into the intron before coding-DNA position 217, A replaced by G.
Molecular consequence: intron variant. On other transcripts: missense variant (1).
Genome position (GRCh38, 1-based): chr17:63,838,675, T>C on the plus strand (A>G on the coding strand, the complement: SMARCD2 is on the minus strand). VCF-style: chr17-63838675-T-C. GRCh37 (hg19) VCF-style: chr17-61916035-T-C.
Other names: c.7A>G, p.Arg3Gly (NM_001330440.2); c.-9-1050A>G (NM_001330439.1); short protein forms R3G.
Identifiers: ClinVar variation 3039887 (VCV003039887.2), dbSNP rs2144636566, ClinGen allele CA400601963.